The following is an entry in ClinVar:

ClinVar aggregate classification (germline): Uncertain significance. Review status: criteria provided, multiple submitters, no conflicts (2 of 4 stars). 6 submissions from 6 submitters: Uncertain significance (5). 1 of the submissions does not count toward it. Last evaluated 2026-02-01.

Conditions:
Cardiomyopathy (CMYO). Also called: Cardiomyopathies. Identifiers: Orphanet 167848, MedGen C0878544, MONDO:0004994, HP:0001638. Inheritance: Various modes of inheritance.
Hypertrophic cardiomyopathy. Also called: HYPERTROPHIC MYOCARDIOPATHY. Identifiers: Orphanet 217569, MedGen C0007194, MeSH D002312, MONDO:0005045, HP:0001639.

Allele frequency attached by ClinVar (database versions not stated): gnomAD exomes below 0.00001; TOPMed below 0.00001; ExAC 0.00001.
gnomAD v4.1: 8 of 1,614,190 alleles (0.0005%); highest among the groups gnomAD compares: Non-Finnish European, 0.00059%; no homozygotes.

Submissions (6):

Labcorp Genetics (formerly Invitae), Labcorp
Classification: Uncertain significance for Hypertrophic cardiomyopathy. Last evaluated: 2026-02-01. Review status: criteria provided, single submitter. Criteria: Invitae Variant Classification Sherloc (09022015). Collection method: clinical testing. Allele origin: germline.
Comment: This sequence change replaces glutamic acid, which is acidic and polar, with aspartic acid, which is acidic and polar, at codon 800 of the MYH7 protein (p.Glu800Asp). This variant is present in population databases (rs730880737, gnomAD 0.0009%). This variant has not been reported in the literature in individuals affected with MYH7-related conditions. ClinVar contains an entry for this variant (Variation ID: 181183). Invitae Evidence Modeling of protein sequence and biophysical properties (such as structural, functional, and spatial information, amino acid conservation, physicochemical variation, residue mobility, and thermodynamic stability) indicates that this missense variant is expected to disrupt MYH7 protein function with a positive predictive value of 95%. In summary, the available evidence is currently insufficient to determine the role of this variant in disease. Therefore, it has been classified as a Variant of Uncertain Significance.

Blueprint Genetics
Classification: Uncertain significance. Last evaluated: 2024-10-07. Review status: criteria provided, single submitter. Criteria: ACMG Guidelines, 2015. Collection method: clinical testing. Allele origin: germline.

Molecular Genetics, Royal Melbourne Hospital
Classification: Uncertain significance for Hypertrophic cardiomyopathy. Last evaluated: 2024-09-08. Review status: criteria provided, single submitter. Criteria: ACMG Guidelines, 2015. Collection method: clinical testing. Allele origin: germline. Inheritance: Autosomal dominant inheritance. Affected: yes.
Comment: This sequence change in MYH7 is predicted to replace glutamic acid with aspartic acid at codon 800, p.(Glu800Asp). The Glu800 residue is highly conserved (100 vertebrates, Multiz Alignments), and is located between myosin head and myosin tail domains, which falls within a region (amino acids 167-931) defined as a mutational hotspot. There is a small physicochemical difference between glutamic acid and aspartic acid. The highest population minor allele frequency in the population database v4.1 is 0.0006% (7/1,180,038 alleles) in the non-Finnish European population. This variant has been reported in at least two probands with hypertrophic cardiomyopathy (PMID: 30847666; Royal Melbourne Hospital). Based on the classification scheme RMH Modified ACMG/AMP Guidelines v1.7.0, this variant is classified as a VARIANT OF UNCERTAIN SIGNIFICANCE. Following criteria are met: PM1, PM2_Supporting, PP3, PS4_Supporting.

Mayo Clinic Laboratories, Mayo Clinic
Classification: Uncertain significance. Last evaluated: 2022-10-25. Review status: criteria provided, single submitter. Criteria: ACMG Guidelines, 2015. Collection method: clinical testing. Allele origin: germline. Observed: 1 variant allele.
Comment: PP2

Color Diagnostics, LLC DBA Color Health
Classification: Uncertain significance for Cardiomyopathy. Last evaluated: 2020-10-13. Review status: criteria provided, single submitter. Criteria: ACMG Guidelines, 2015. Collection method: clinical testing. Allele origin: germline.
Comment: This missense variant replaces glutamic acid with aspartic acid at codon 800 of the MYH7 protein. Computational prediction suggests that this variant may have deleterious impact on protein structure and function (internally defined REVEL score threshold >= 0.7, PMID: 27666373). To our knowledge, functional studies have not been reported for this variant. This variant has not been reported in individuals affected with cardiovascular disorders in the literature. This variant has been identified in 1/251474 chromosomes in the general population by the Genome Aggregation Database (gnomAD). The available evidence is insufficient to determine the role of this variant in disease conclusively. Therefore, this variant is classified as a Variant of Uncertain Significance.

Department of Pathology and Laboratory Medicine, Sinai Health System
Classification: Uncertain significance. Review status: no assertion criteria provided. Collection method: clinical testing. Allele origin: unknown. Affected: yes. Study: The Canadian Open Genetics Repository (COGR). Not counted in ClinVar's aggregate classification.
Comment: The MYH7 p.Glu800Asp variant was not identified in the literature nor was it identified in ClinVar. The variant was identified in dbSNP (ID: rs730880737) and in control databases in 1 of 251474 chromosomes at a frequency of 0.000003977 (Genome Aggregation Database March 6, 2019, v2.1.1). The variant was observed in the European (non-Finnish) population in 1 of 113752 chromosomes (freq: 0.000009), but was not observed in the African, Latino, Ashkenazi Jewish, East Asian, European (Finnish), Other, or South Asian populations. The p.Glu800 residue is conserved in mammals but not in more distantly related organisms however four out of five computational analyses (PolyPhen-2, SIFT, AlignGVGD, BLOSUM, MutationTaster) do not suggest a high likelihood of impact to the protein; this information is not predictive enough to rule out pathogenicity. The variant occurs outside of the splicing consensus sequence and in silico or computational prediction software programs (SpliceSiteFinder, MaxEntScan, NNSPLICE, GeneSplicer) do not predict a difference in splicing. In summary, based on the above information the clinical significance of this variant cannot be determined with certainty at this time. This variant is classified as a variant of uncertain significance.

Literature cited by the submitters: PubMed 30847666 (cited by Molecular Genetics, Royal Melbourne Hospital).

NM_000257.4(MYH7):c.2400G>T (p.Glu800Asp)

Genes: MYH7 (myosin heavy chain 7; minus strand), LOC126861898 (BRD4-independent group 4 enhancer GRCh37_chr14:23893609-23894808; plus strand). Cytogenetic location: 14q11.2.
Variant type: single nucleotide variant.
Coding change: c.2400G>T on transcript NM_000257.4 (MANE Select); coding-DNA position 2400, G replaced by T.
Protein change: p.Glu800Asp; replaces glutamic acid 800 with aspartic acid.
Molecular consequence: missense variant.
Genome position (GRCh38, 1-based): chr14:23,425,305, C>A on the plus strand (G>T on the coding strand, the complement: MYH7 is on the minus strand). VCF-style: chr14-23425305-C-A. GRCh37 (hg19) VCF-style: chr14-23894514-C-A.
Other names: p.Glu800Asp; short protein forms E800D.
Identifiers: ClinVar variation 181183 (VCV000181183.9), dbSNP rs730880737, ClinGen allele CA012281.